The following is an entry in ClinVar:

ClinVar aggregate classification (germline): Conflicting classifications of pathogenicity. Review status: criteria provided, conflicting classifications (1 of 4 stars). 9 submissions from 7 submitters: Uncertain significance (1); Benign (5); Likely benign (3). Last evaluated 2026-09-01.

Conditions:
Autosomal recessive nonsyndromic hearing loss 12. Also called: DEAFNESS, AUTOSOMAL RECESSIVE 12. Identifiers: Orphanet 90636, MedGen C1832394, MONDO:0011067, OMIM 601386.
Usher syndrome type 1D (USH1D). Also called: USHER SYNDROME, TYPE ID. Identifiers: Orphanet 231169, Orphanet 886, MedGen C1832845, MONDO:0010984, OMIM 601067.

Allele frequency attached by ClinVar (database versions not stated): gnomAD 0.00644 and 0.00642; ESP Exome Variant Server 0.00680; 1000 Genomes Project 0.00280; 1000 Genomes Project 30x 0.00375; TOPMed 0.00673; ExAC 0.00730.
gnomAD v4.1: 14,252 of 1,613,146 alleles (0.88%); highest among the groups gnomAD compares: Middle Eastern, 2.6%; 97 homozygotes.

Submissions (18):

CeGaT Center for Human Genetics Tuebingen
Classification: Benign. Last evaluated: 2026-09-01. Review status: criteria provided, single submitter. Criteria: CeGaT Center For Human Genetics Tuebingen Variant Classification Criteria Version 2. Collection method: clinical testing. Allele origin: germline. Affected: yes. Observed: 22 variant alleles.
Comment: CDH23: BS1, BS2

Labcorp Genetics (formerly Invitae), Labcorp
Classification: Benign. Last evaluated: 2026-02-04. Review status: criteria provided, single submitter. Criteria: Invitae Variant Classification Sherloc (09022015). Collection method: clinical testing. Allele origin: germline.

Genome-Nilou Lab
Classification: Likely benign for Usher syndrome type 1D. Last evaluated: 2021-07-01. Review status: criteria provided, single submitter. Criteria: ACMG Guidelines, 2015. Collection method: clinical testing. Allele origin: germline. Affected: no.

Genome-Nilou Lab
Classification: Likely benign for Autosomal recessive nonsyndromic hearing loss 12. Last evaluated: 2021-07-01. Review status: criteria provided, single submitter. Criteria: ACMG Guidelines, 2015. Collection method: clinical testing. Allele origin: germline. Affected: no.

Illumina Laboratory Services, Illumina
Classification: Likely benign for Usher syndrome type 1D. Last evaluated: 2018-01-13. Review status: criteria provided, single submitter. Criteria: ICSL Variant Classification Criteria 13 December 2019. Collection method: clinical testing. Allele origin: germline.
Comment: This variant was observed in the ICSL laboratory as part of a predisposition screen in an ostensibly healthy population. It had not been previously curated by ICSL or reported in the Human Gene Mutation Database (HGMD: prior to June 1st, 2018), and was therefore a candidate for classification through an automated scoring system. Utilizing variant allele frequency, disease prevalence and penetrance estimates, and inheritance mode, an automated score was calculated to assess if this variant is too frequent to cause the disease. Based on the score and internal cut-off values, a variant classified as likely benign is not then subjected to further curation. The score for this variant resulted in a classification of likely benign for this disease.

Illumina Laboratory Services, Illumina
Classification: Uncertain significance for Autosomal recessive nonsyndromic hearing loss 12. Last evaluated: 2018-01-13. Review status: criteria provided, single submitter. Criteria: ICSL Variant Classification Criteria 13 December 2019. Collection method: clinical testing. Allele origin: germline.

GeneDx
Classification: Benign. Last evaluated: 2013-05-12. Review status: criteria provided, single submitter. Criteria: GeneDx Variant Classification (06012015). Collection method: clinical testing. Allele origin: germline. Affected: yes.
Comment: This variant is considered likely benign or benign based on one or more of the following criteria: it is a conservative change, it occurs at a poorly conserved position in the protein, it is predicted to be benign by multiple in silico algorithms, and/or has population frequency not consistent with disease.

Laboratory for Molecular Medicine, Mass General Brigham Personalized Medicine
Classification: Benign. Last evaluated: 2012-05-07. Review status: criteria provided, single submitter. Criteria: LMM Criteria. Collection method: clinical testing. Allele origin: germline. Observed: 25 variant alleles.
Comment: 8980-14C>A in Intron 61 of CDH23: This variant is not expected to have clinical significance because it has been identified in 0.9% (59/6704) of European Americ an chromosomes from a broad population by the NHLBI Exome Sequencing Project (dbSNP rs45522532).

PreventionGenetics, part of Exact Sciences
Classification: Benign. Review status: criteria provided, single submitter. Criteria: ACMG Guidelines, 2015. Collection method: clinical testing. Allele origin: germline.

Dr. Peter K. Rogan Lab, Western University
No classification provided (evidence only). Condition: Lung cancer. Review status: no classification provided. Collection method: in vitro. Allele origin: not applicable. Functional consequence: retained intron. Not counted in ClinVar's aggregate classification.

Dr. Peter K. Rogan Lab, Western University
No classification provided (evidence only). Condition: Acute myeloid leukemia. Review status: no classification provided. Collection method: in vitro. Allele origin: not applicable. Functional consequence: retained intron. Not counted in ClinVar's aggregate classification.

Dr. Peter K. Rogan Lab, Western University
No classification provided (evidence only). Condition: Acute myeloid leukemia. Review status: no classification provided. Collection method: in vitro. Allele origin: not applicable. Functional consequence: retained intron. Not counted in ClinVar's aggregate classification.

Dr. Peter K. Rogan Lab, Western University
No classification provided (evidence only). Condition: Uterine corpus endometrial carcinoma. Review status: no classification provided. Collection method: in vitro. Allele origin: not applicable. Functional consequence: retained intron. Not counted in ClinVar's aggregate classification.

Dr. Peter K. Rogan Lab, Western University
No classification provided (evidence only). Condition: Uterine corpus endometrial carcinoma. Review status: no classification provided. Collection method: in vitro. Allele origin: not applicable. Functional consequence: retained intron. Not counted in ClinVar's aggregate classification.

Dr. Peter K. Rogan Lab, Western University
No classification provided (evidence only). Condition: Uterine corpus endometrial carcinoma. Review status: no classification provided. Collection method: in vitro. Allele origin: not applicable. Functional consequence: retained intron. Not counted in ClinVar's aggregate classification.

Dr. Peter K. Rogan Lab, Western University
No classification provided (evidence only). Condition: Thymoma. Review status: no classification provided. Collection method: in vitro. Allele origin: not applicable. Functional consequence: retained intron. Not counted in ClinVar's aggregate classification.

Dr. Peter K. Rogan Lab, Western University
No classification provided (evidence only). Condition: Ovarian serous cystadenocarcinoma. Review status: no classification provided. Collection method: in vitro. Allele origin: not applicable. Functional consequence: retained intron. Not counted in ClinVar's aggregate classification.

Dr. Peter K. Rogan Lab, Western University
No classification provided (evidence only). Condition: Gastric cancer. Review status: no classification provided. Collection method: in vitro. Allele origin: not applicable. Functional consequence: retained intron. Not counted in ClinVar's aggregate classification.

NM_022124.6(CDH23):c.8980-14C>A

Gene: CDH23 (cadherin related 23; plus strand). Cytogenetic location: 10q22.1.
Variant type: single nucleotide variant.
Coding change: c.8980-14C>A on transcript NM_022124.6 (MANE Select); 14 bases into the intron before coding-DNA position 8980, C replaced by A.
Molecular consequence: intron variant.
Genome position (GRCh38, 1-based): chr10:71,810,458, C>A. VCF-style: chr10-71810458-C-A. GRCh37 (hg19) VCF-style: chr10-73570215-C-A.
Other names: c.2260-14C>A (NM_001171933.1, NM_001171934.1).
Identifiers: ClinVar variation 46062 (VCV000046062.50), dbSNP rs45522532, ClinGen allele CA137620.